The following is an entry in ClinVar:

ClinVar aggregate classification (germline): Uncertain significance (1 of 4 stars; one submission).

Allele frequency attached by ClinVar (database versions not stated): gnomAD exomes below 0.00001 and 0.00001; ExAC 0.00001; gnomAD 0.00002; TOPMed 0.00002.
gnomAD v4.1: 8 of 1,613,354 alleles (0.0005%); highest among the groups gnomAD compares: African/African-American, 0.0027%; no homozygotes.

Submission:

Labcorp Genetics (formerly Invitae), Labcorp
Classification: Uncertain significance. Last evaluated: 2024-12-31. Review status: criteria provided, single submitter. Criteria: Invitae Variant Classification Sherloc (09022015). Collection method: clinical testing. Allele origin: germline.
Comment: This sequence change replaces glutamic acid, which is acidic and polar, with lysine, which is basic and polar, at codon 730 of the PCDH15 protein (p.Glu730Lys). This variant is present in population databases (rs770931801, gnomAD 0.0009%). This variant has not been reported in the literature in individuals affected with PCDH15-related conditions. ClinVar contains an entry for this variant (Variation ID: 1393959). Invitae Evidence Modeling of protein sequence and biophysical properties (such as structural, functional, and spatial information, amino acid conservation, physicochemical variation, residue mobility, and thermodynamic stability) indicates that this missense variant is not expected to disrupt PCDH15 protein function with a negative predictive value of 95%. In summary, the available evidence is currently insufficient to determine the role of this variant in disease. Therefore, it has been classified as a Variant of Uncertain Significance.

NM_001384140.1(PCDH15):c.2188G>A (p.Glu730Lys)

Gene: PCDH15 (protocadherin related 15; minus strand). Cytogenetic location: 10q21.1.
Variant type: single nucleotide variant.
Coding change: c.2188G>A on transcript NM_001384140.1 (MANE Select); coding-DNA position 2188, G replaced by A.
Protein change: p.Glu730Lys; replaces glutamic acid 730 with lysine.
Molecular consequence: missense variant.
Genome position (GRCh38, 1-based): chr10:54,066,789, C>T on the plus strand (G>A on the coding strand, the complement: PCDH15 is on the minus strand). VCF-style: chr10-54066789-C-T. GRCh37 (hg19) VCF-style: chr10-55826549-C-T.
Other names: c.2203G>A, p.Glu735Lys (NM_001142763.2, NM_001142771.2); c.2188G>A, p.Glu730Lys (NM_001142764.2, NM_001142766.2, NM_001142770.3 and 5 more transcripts); c.1975G>A, p.Glu659Lys (NM_001142765.2); c.2077G>A, p.Glu693Lys (NM_001142767.2); c.2122G>A, p.Glu708Lys (NM_001142768.2, NM_001142773.2, NM_001354404.2); c.2224G>A, p.Glu742Lys (NM_001142769.4); c.2209G>A, p.Glu737Lys (NM_001354411.2); short protein forms E693K, E735K, E730K, E737K, E742K, E659K, E708K.
Identifiers: ClinVar variation 1393959 (VCV001393959.5), dbSNP rs770931801, ClinGen allele CA5506106.
Genomic context (GRCh38, chr10:54,066,789, plus strand): 5'-ATAAGATCTATATAAATATTCCACTTACTTTTACTTGACCCACAAAGGCATTGGCTTCTT[C>T]TTCCACCACAGATAAATTTCTTGGCAGATAAGGATCAAACACTGGAGCATTGTCATTGAC-3'
Protein context (NP_001371069.1, residues 720-740): YLPRNLSVVE[Glu730Lys]EANAFVGQVK